The following is an entry in ClinVar:

NM_005476.7(GNE):c.1430G>A (p.Arg477His)

Gene: GNE (glucosamine (UDP-N-acetyl)-2-epimerase/N-acetylmannosamine kinase; minus strand). Cytogenetic location: 9p13.3.
Variant type: single nucleotide variant.
Coding change: c.1430G>A on transcript NM_005476.7 (MANE Select); coding-DNA position 1430, G replaced by A.
Protein change: p.Arg477His; replaces arginine 477 with histidine.
Molecular consequence: missense variant. On other transcripts: intron variant (1).
Genome position (GRCh38, 1-based): chr9:36,222,980, C>T on the plus strand (G>A on the coding strand, the complement: GNE is on the minus strand). VCF-style: chr9-36222980-C-T. GRCh37 (hg19) VCF-style: chr9-36222977-C-T.
Other names: c.1523G>A, p.Arg508His (NM_001128227.3); c.1100G>A, p.Arg367His (NM_001190384.3); c.1253G>A, p.Arg418His (NM_001190388.2, NM_001374798.1); c.1277G>A, p.Arg426His (NM_001374797.1); c.1411+393G>A (NM_001190383.3); short protein forms R418H, R367H, R426H, R477H, R508H.
Identifiers: ClinVar variation 1399940 (VCV001399940.7), dbSNP rs776109807, ClinGen allele CA5056481.

ClinVar aggregate classification (germline): Uncertain significance (1 of 4 stars; one submission).

Conditions:
Sialuria. Also called: SIALURIA, FRENCH TYPE; Sialic Acid Storage Disease. Identifiers: Orphanet 3166, MedGen C0342853, MONDO:0010028, OMIM 269921.
GNE myopathy (NM). Also called: INCLUSION BODY MYOPATHY, HEREDITARY, AUTOSOMAL RECESSIVE; INCLUSION BODY MYOPATHY 2, AUTOSOMAL RECESSIVE; IBM 2; Inclusion body myopathy autosomal recessive; Inclusion body myopathy quadriceps sparing; NONAKA DISTAL MYOPATHY. Identifiers: Orphanet 602, MedGen C1853926, MONDO:0011603, OMIM 605820.

Allele frequency attached by ClinVar (database versions not stated): gnomAD 0.00001; TOPMed 0.00001; gnomAD exomes 0.00003; ExAC 0.00004.

Submission:

Labcorp Genetics (formerly Invitae), Labcorp
Classification: Uncertain significance for Sialuria; GNE myopathy. Last evaluated: 2025-12-20. Review status: criteria provided, single submitter. Criteria: Invitae Variant Classification Sherloc (09022015). Collection method: clinical testing. Allele origin: germline.
Comment: This sequence change replaces arginine, which is basic and polar, with histidine, which is basic and polar, at codon 508 of the GNE protein (p.Arg508His). This variant is present in population databases (rs776109807, gnomAD 0.01%). This variant has not been reported in the literature in individuals affected with GNE-related conditions. ClinVar contains an entry for this variant (Variation ID: 1399940). Invitae Evidence Modeling of protein sequence and biophysical properties (such as structural, functional, and spatial information, amino acid conservation, physicochemical variation, residue mobility, and thermodynamic stability) has been performed for this missense variant. However, the output from this modeling did not meet the statistical confidence thresholds required to predict the impact of this variant on GNE protein function. In summary, the available evidence is currently insufficient to determine the role of this variant in disease. Therefore, it has been classified as a Variant of Uncertain Significance.